The following is an entry in ClinVar:

NM_000875.5(IGF1R):c.2898G>T (p.Arg966Ser)

Gene: IGF1R (insulin like growth factor 1 receptor; plus strand). Cytogenetic location: 15q26.3.
Variant type: single nucleotide variant.
Coding change: c.2898G>T on transcript NM_000875.5 (MANE Select); coding-DNA position 2898, G replaced by T.
Protein change: p.Arg966Ser; replaces arginine 966 with serine.
Molecular consequence: missense variant.
Genome position (GRCh38, 1-based): chr15:98,930,247, G>T. VCF-style: chr15-98930247-G-T. GRCh37 (hg19) VCF-style: chr15-99473476-G-T.
Other names: c.2895G>T, p.Arg965Ser (NM_001291858.2); short protein forms R965S, R966S.
Identifiers: ClinVar variation 2977900 (VCV002977900.3), dbSNP rs1482172500, ClinGen allele CA393682974.
Genomic context (GRCh38, chr15:98,930,247, plus strand): 5'-ATGTATGGAGGTGGGGTTTTGTTAACGTGAATTTAATCTTTTTGACAGAAATAACAGCAG[G>T]CTGGGGAATGGAGTGCTGTATGCCTCTGTGAACCCGGAGTACTTCAGCGCTGCTGATGGT-3'
Protein context (NP_000866.1, residues 956-976): YVFHRKRNNS[Arg966Ser]LGNGVLYASV

ClinVar aggregate classification (germline): Uncertain significance (1 of 4 stars; one submission).

Submission:

Labcorp Genetics (formerly Invitae), Labcorp
Classification: Uncertain significance. Last evaluated: 2024-01-03. Review status: criteria provided, single submitter. Criteria: Invitae Variant Classification Sherloc (09022015). Collection method: clinical testing. Allele origin: germline.
Comment: This sequence change replaces arginine, which is basic and polar, with serine, which is neutral and polar, at codon 966 of the IGF1R protein (p.Arg966Ser). This variant is not present in population databases (gnomAD no frequency). This variant has not been reported in the literature in individuals affected with IGF1R-related conditions. An algorithm developed to predict the effect of missense changes on protein structure and function (PolyPhen-2) suggests that this variant is likely to be disruptive. In summary, the available evidence is currently insufficient to determine the role of this variant in disease. Therefore, it has been classified as a Variant of Uncertain Significance.